The following is an entry in ClinVar:

NM_001080978.4(LILRB2):c.1008C>G (p.Ala336=)

Gene: LILRB2 (leukocyte immunoglobulin like receptor B2; minus strand). Cytogenetic location: 19q13.42.
Variant type: single nucleotide variant.
Coding change: c.1008C>G on transcript NM_001080978.4 (MANE Select); coding-DNA position 1008, C replaced by G.
Protein change: p.Ala336=; no amino-acid change (alanine 336 retained).
Molecular consequence: synonymous variant. On other transcripts: non-coding transcript variant (1).
Genome position (GRCh38, 1-based): chr19:54,278,510, G>C on the plus strand (C>G on the coding strand, the complement: LILRB2 is on the minus strand). VCF-style: chr19-54278510-G-C. GRCh37 (hg19) VCF-style: chr19-54782364-G-C.
Other names: c.1008C>G, p.Ala336= (NM_001278403.3, NM_001278405.2, NM_001278406.2 and 1 more transcripts); c.660C>G, p.Ala220= (NM_001278404.3).
Identifiers: ClinVar variation 2650443 (VCV002650443.24), dbSNP rs199535116, ClinGen allele CA309448788.

ClinVar aggregate classification (germline): Likely benign (1 of 4 stars; one submission).

Allele frequency attached by ClinVar (database versions not stated): ExAC 0.00015; gnomAD 0.00015; ESP Exome Variant Server 0.00023; gnomAD exomes 0.00023.
gnomAD v4.1: 358 of 1,614,254 alleles (0.022%); highest among the groups gnomAD compares: Non-Finnish European, 0.026%; no homozygotes.

Submission:

CeGaT Center for Human Genetics Tuebingen
Classification: Likely benign. Last evaluated: 2022-06-01. Review status: criteria provided, single submitter. Criteria: CeGaT Center For Human Genetics Tuebingen Variant Classification Criteria Version 2. Collection method: clinical testing. Allele origin: germline. Affected: yes. Observed: 1 variant allele.
Comment: LILRB2: BP4, BP7